The following is an entry in ClinVar:

NM_015512.5(DNAH1):c.8765C>T (p.Ala2922Val)

Gene: DNAH1 (dynein axonemal heavy chain 1; plus strand). Cytogenetic location: 3p21.1.
Variant type: single nucleotide variant.
Coding change: c.8765C>T on transcript NM_015512.5 (MANE Select); coding-DNA position 8765, C replaced by T.
Protein change: p.Ala2922Val; replaces alanine 2922 with valine.
Molecular consequence: missense variant.
Genome position (GRCh38, 1-based): chr3:52,386,299, C>T. VCF-style: chr3-52386299-C-T. GRCh37 (hg19) VCF-style: chr3-52420315-C-T.
Other names: short protein forms A2922V.
Identifiers: ClinVar variation 478504 (VCV000478504.15), dbSNP rs182141515, ClinGen allele CA2435312.

ClinVar aggregate classification (germline): Benign/Likely benign. Review status: criteria provided, multiple submitters, no conflicts (2 of 4 stars). 4 submissions from 4 submitters: Benign (2); Likely benign (1). 1 of the submissions does not count toward it. Last evaluated 2026-02-01.

Conditions:
DNAH1-related disorder. Also called: DNAH1-related condition.
Spermatogenic failure 18. Identifiers: MedGen C4539783, MONDO:0054615, OMIM 617576.
Ciliary dyskinesia, primary, 37 (CILD37). Also called: CILIARY DYSKINESIA, PRIMARY, 37, WITH OR WITHOUT SITUS INVERSUS. Identifiers: MedGen C4539798, MONDO:0033204, OMIM 617577.

Allele frequency attached by ClinVar (database versions not stated): 1000 Genomes Project 0.00120; 1000 Genomes Project 30x 0.00125; TOPMed 0.00190; gnomAD 0.00214 and 0.00216; ESP Exome Variant Server 0.00274; ExAC 0.00347.
gnomAD v4.1: 5,172 of 1,601,892 alleles (0.32%); highest among the groups gnomAD compares: Non-Finnish European, 0.4%; 10 homozygotes.

Submissions (4):

Labcorp Genetics (formerly Invitae), Labcorp
Classification: Benign for Ciliary dyskinesia, primary, 37; Spermatogenic failure 18. Last evaluated: 2026-02-01. Review status: criteria provided, single submitter. Criteria: Invitae Variant Classification Sherloc (09022015). Collection method: clinical testing. Allele origin: germline.

Blueprint Genetics
Classification: Likely benign. Last evaluated: 2024-11-22. Review status: criteria provided, single submitter. Criteria: ACMG Guidelines, 2015. Collection method: clinical testing. Allele origin: germline.

Breakthrough Genomics
Classification: Benign. Review status: criteria provided, single submitter. Criteria: ACMG Guidelines, 2015. Collection method: not provided. Allele origin: germline. Inheritance: Autosomal recessive inheritance. Affected: yes.

PreventionGenetics, part of Exact Sciences
Classification: Likely benign for DNAH1-related condition. Last evaluated: 2022-02-03. Review status: no assertion criteria provided. Collection method: clinical testing. Allele origin: germline. Not counted in ClinVar's aggregate classification.
Comment: This variant is classified as likely benign based on ACMG/AMP sequence variant interpretation guidelines (Richards et al. 2015 PMID: 25741868, with internal and published modifications).